The following is an entry in ClinVar:

NM_006642.5(SDCCAG8):c.1360T>C (p.Cys454Arg)

Gene: SDCCAG8 (SHH signaling and ciliogenesis regulator SDCCAG8; plus strand). Cytogenetic location: 1q43.
Variant type: single nucleotide variant.
Coding change: c.1360T>C on transcript NM_006642.5 (MANE Select); coding-DNA position 1360, T replaced by C.
Protein change: p.Cys454Arg; replaces cysteine 454 with arginine.
Molecular consequence: missense variant.
Genome position (GRCh38, 1-based): chr1:243,344,218, T>C. VCF-style: chr1-243344218-T-C. GRCh37 (hg19) VCF-style: chr1-243507520-T-C.
Other names: c.457T>C, p.Cys153Arg (NM_001350246.2, NM_001350247.2, NM_001350251.2); c.1456T>C, p.Cys486Arg (NM_001350248.2); c.1066T>C, p.Cys356Arg (NM_001350249.2); short protein forms C153R, C486R, C454R, C356R.
Identifiers: ClinVar variation 2044294 (VCV002044294.4), dbSNP rs1179852986, ClinGen allele CA345475798.

ClinVar aggregate classification (germline): Uncertain significance (1 of 4 stars; one submission).

Conditions:
Senior-Loken syndrome 7 (SLSN7). Identifiers: Orphanet 3156, MedGen C3150877, MONDO:0013326, OMIM 613615.
Bardet-Biedl syndrome 16 (BBS16). Identifiers: Orphanet 110, MedGen C3889474, MONDO:0014444, OMIM 615993.

Allele frequency attached by ClinVar (database versions not stated): gnomAD exomes below 0.00001.
gnomAD v4.1: 1 of 1,612,874 alleles (0.000062%); highest among the groups gnomAD compares: Admixed American, 0.0017%; no homozygotes.

Submission:

Labcorp Genetics (formerly Invitae), Labcorp
Classification: Uncertain significance for Bardet-Biedl syndrome 16; Senior-Loken syndrome 7. Last evaluated: 2022-03-04. Review status: criteria provided, single submitter. Criteria: Invitae Variant Classification Sherloc (09022015). Collection method: clinical testing. Allele origin: germline.
Comment: Algorithms developed to predict the effect of missense changes on protein structure and function are either unavailable or do not agree on the potential impact of this missense change (SIFT: "Tolerated"; PolyPhen-2: "Possibly Damaging"; Align-GVGD: "Class C0"). In summary, the available evidence is currently insufficient to determine the role of this variant in disease. Therefore, it has been classified as a Variant of Uncertain Significance. This variant has not been reported in the literature in individuals affected with SDCCAG8-related conditions. This variant is present in population databases (no rsID available, gnomAD 0.003%). This sequence change replaces cysteine, which is neutral and slightly polar, with arginine, which is basic and polar, at codon 454 of the SDCCAG8 protein (p.Cys454Arg).